The following is an entry in ClinVar:

NM_000313.4(PROS1):c.1412A>G (p.Gln471Arg)

Gene: PROS1 (protein S; minus strand). Cytogenetic location: 3q11.1.
Variant type: single nucleotide variant.
Coding change: c.1412A>G on transcript NM_000313.4 (MANE Select); coding-DNA position 1412, A replaced by G.
Protein change: p.Gln471Arg; replaces glutamine 471 with arginine.
Molecular consequence: missense variant.
Genome position (GRCh38, 1-based): chr3:93,884,808, T>C on the plus strand (A>G on the coding strand, the complement: PROS1 is on the minus strand). VCF-style: chr3-93884808-T-C. GRCh37 (hg19) VCF-style: chr3-93603652-T-C.
Other names: c.1508A>G, p.Gln503Arg (NM_001314077.2); short protein forms Q471R, Q503R.
Identifiers: ClinVar variation 4529461 (VCV004529461.1).

ClinVar aggregate classification (germline): Uncertain significance (0 of 4 stars; one submission).

Conditions:
Thrombophilia due to protein S deficiency, autosomal dominant (THPH5). Identifiers: Orphanet 26349, Orphanet 743, MedGen C3278211, MONDO:0012868, OMIM 612336. Disease mechanism: loss of function.

Submission:

Department of Transfusion Medicine and Hemostaseology, University Hospital Erlangen
Classification: Uncertain significance for Thrombophilia due to protein S deficiency, autosomal dominant. Last evaluated: 2025-09-01. Review status: no assertion criteria provided. Collection method: clinical testing. Allele origin: germline.
Comment: This variant was identified during a screening of patients with suspected hereditary Protein S deficiency. Currently, no literature is available describing this variant and it is not listed in any public population database. Several in silico variant effect prediction tools (PolyPhen-2, SIFT, AlphaMissense) classify this variant as likely benign. Taken together we classified this variant as of uncertain significance.